The following is an entry in ClinVar:

NC_000019.9:g.(?_14034126)_(14034644_?)del

Gene: CC2D1A (coiled-coil and C2 domain containing 1A; plus strand). Cytogenetic location: 19p13.12.
Variant type: Deletion.
Identifiers: ClinVar variation 3242705 (VCV003242705.1).

ClinVar aggregate classification (germline): Pathogenic (1 of 4 stars; one submission).

Submission:

Labcorp Genetics (formerly Invitae), Labcorp
Classification: Pathogenic. Last evaluated: 2023-05-09. Review status: criteria provided, single submitter. Criteria: Invitae Variant Classification Sherloc (09022015). Collection method: clinical testing. Allele origin: unknown.
Comment: For these reasons, this variant has been classified as Pathogenic. This variant has not been reported in the literature in individuals affected with CC2D1A-related conditions. This variant is a gross deletion of the genomic region encompassing exon(s) 15-17 of the CC2D1A gene. This deletion is out-of-frame, and is expected to create a premature termination codon and result in an absent or disrupted protein product. Loss-of-function variants in CC2D1A are known to be pathogenic (PMID: 16033914).

Literature cited by the submitters: PubMed 16033914.